The following is an entry in ClinVar:

NM_198252.3(GSN):c.1676C>T (p.Ala559Val)

Gene: GSN (gelsolin; plus strand). Cytogenetic location: 9q33.2.
Variant type: single nucleotide variant.
Coding change: c.1676C>T on transcript NM_198252.3 (MANE Select); coding-DNA position 1676, C replaced by T.
Protein change: p.Ala559Val; replaces alanine 559 with valine.
Molecular consequence: missense variant.
Genome position (GRCh38, 1-based): chr9:121,327,396, C>T. VCF-style: chr9-121327396-C-T. GRCh37 (hg19) VCF-style: chr9-124089674-C-T.
Other names: c.1829C>T, p.Ala610Val (NM_000177.5); c.1676C>T, p.Ala559Val (NM_001127662.2, NM_001127664.2, NM_001127665.2 and 10 more transcripts); c.1784C>T, p.Ala595Val (NM_001127663.2); c.1709C>T, p.Ala570Val (NM_001127666.2, NM_001127667.2, NM_001353063.2 and 13 more transcripts); c.1727C>T, p.Ala576Val (NM_001258029.2); c.1700C>T, p.Ala567Val (NM_001258030.2); c.1748C>T, p.Ala583Val (NM_001353076.2); c.1022C>T, p.Ala341Val (NM_001353078.2); short protein forms A610V, A341V, A595V, A567V, A570V, A559V, A576V, A583V.
Identifiers: ClinVar variation 2701725 (VCV002701725.3), dbSNP rs2541254279, ClinGen allele CA374755898.
Genomic context (GRCh38, chr9:121,327,396, plus strand): 5'-CCAACGATGCCTTTGTTCTGAAAACCCCCTCAGCCGCCTACCTGTGGGTGGGTACAGGAG[C>T]CAGCGAGGCAGAGAAGACGGGGGCCCAGGAGCTGCTCAGGGTGCTGCGGGCCCAACCTGT-3'
Protein context (NP_937895.1, residues 549-569): SAAYLWVGTG[Ala559Val]SEAEKTGAQE

ClinVar aggregate classification (germline): Uncertain significance (1 of 4 stars; one submission).

Allele frequency attached by ClinVar (database versions not stated): gnomAD exomes below 0.00001.
gnomAD v4.1: 1 of 1,613,362 alleles (0.000062%); highest among the groups gnomAD compares: Non-Finnish European, 0.000085%; no homozygotes.

Submission:

Labcorp Genetics (formerly Invitae), Labcorp
Classification: Uncertain significance. Last evaluated: 2023-05-24. Review status: criteria provided, single submitter. Criteria: Invitae Variant Classification Sherloc (09022015). Collection method: clinical testing. Allele origin: germline.
Comment: In summary, the available evidence is currently insufficient to determine the role of this variant in disease. Therefore, it has been classified as a Variant of Uncertain Significance. Advanced modeling of protein sequence and biophysical properties (such as structural, functional, and spatial information, amino acid conservation, physicochemical variation, residue mobility, and thermodynamic stability) performed at Invitae indicates that this missense variant is not expected to disrupt GSN protein function. This variant has not been reported in the literature in individuals affected with GSN-related conditions. This variant is not present in population databases (gnomAD no frequency). This sequence change replaces alanine, which is neutral and non-polar, with valine, which is neutral and non-polar, at codon 610 of the GSN protein (p.Ala610Val).